The following is an entry in ClinVar:

NM_003718.5(CDK13):c.1408G>A (p.Ala470Thr)

Gene: CDK13 (cyclin dependent kinase 13; plus strand). Cytogenetic location: 7p14.1.
Variant type: single nucleotide variant.
Coding change: c.1408G>A on transcript NM_003718.5 (MANE Select); coding-DNA position 1408, G replaced by A.
Protein change: p.Ala470Thr; replaces alanine 470 with threonine.
Molecular consequence: missense variant.
Genome position (GRCh38, 1-based): chr7:39,987,795, G>A. VCF-style: chr7-39987795-G-A. GRCh37 (hg19) VCF-style: chr7-40027394-G-A.
Other names: c.1408G>A, p.Ala470Thr (NM_031267.4); short protein forms A470T.
Identifiers: ClinVar variation 2673102 (VCV002673102.25), dbSNP rs1191985078, ClinGen allele CA367282363.
Genomic context (GRCh38, chr7:39,987,795, plus strand): 5'-GCAGCTGAATTGAACAAGAATAAAAAAGCACGAGCAGCAGAGGCAGCAAGAGCCGCAGAA[G>A]CAGCGAAAGCTGCAGAAGCAACTAAGGCTGCTGAGGCTGCTGCCAAGGCTGCAAAAGCTT-3'
Protein context (NP_003709.3, residues 460-480): RAAEAARAAE[Ala470Thr]AKAAEATKAA

ClinVar aggregate classification (germline): Conflicting classifications of pathogenicity. Review status: criteria provided, conflicting classifications (1 of 4 stars). 2 submissions from 2 submitters: Uncertain significance (1); Likely benign (1). Last evaluated 2024-06-26.

Allele frequency attached by ClinVar (database versions not stated): gnomAD 0.00001; TOPMed 0.00001.
gnomAD v4.1: 4 of 1,613,692 alleles (0.00025%); highest among the groups gnomAD compares: Non-Finnish European, 0.00034%; no homozygotes.

Submissions (2):

Labcorp Genetics (formerly Invitae), Labcorp
Classification: Uncertain significance. Last evaluated: 2024-06-26. Review status: criteria provided, single submitter. Criteria: Invitae Variant Classification Sherloc (09022015). Collection method: clinical testing. Allele origin: germline.
Comment: This sequence change replaces alanine, which is neutral and non-polar, with threonine, which is neutral and polar, at codon 470 of the CDK13 protein (p.Ala470Thr). This variant is not present in population databases (gnomAD no frequency). This variant has not been reported in the literature in individuals affected with CDK13-related conditions. Advanced modeling of protein sequence and biophysical properties (such as structural, functional, and spatial information, amino acid conservation, physicochemical variation, residue mobility, and thermodynamic stability) has been performed at Invitae for this missense variant, however the output from this modeling did not meet the statistical confidence thresholds required to predict the impact of this variant on CDK13 protein function. In summary, the available evidence is currently insufficient to determine the role of this variant in disease. Therefore, it has been classified as a Variant of Uncertain Significance.

CeGaT Center for Human Genetics Tuebingen
Classification: Likely benign. Last evaluated: 2023-11-01. Review status: criteria provided, single submitter. Criteria: CeGaT Center For Human Genetics Tuebingen Variant Classification Criteria Version 2. Collection method: clinical testing. Allele origin: germline. Affected: yes. Observed: 1 variant allele.
Comment: CDK13: BS2